The following is an entry in ClinVar:

NM_001283009.2(RTEL1):c.2509G>A (p.Ala837Thr)

Genes: RTEL1 (regulator of telomere elongation helicase 1; plus strand), RTEL1-TNFRSF6B (RTEL1-TNFRSF6B readthrough (NMD candidate); plus strand). Cytogenetic location: 20q13.33.
Variant type: single nucleotide variant.
Coding change: c.2509G>A on transcript NM_001283009.2 (MANE Select); coding-DNA position 2509, G replaced by A.
Protein change: p.Ala837Thr; replaces alanine 837 with threonine.
Molecular consequence: missense variant. On other transcripts: non-coding transcript variant (1).
Genome position (GRCh38, 1-based): chr20:63,690,900, G>A. VCF-style: chr20-63690900-G-A. GRCh37 (hg19) VCF-style: chr20-62322253-G-A.
Other names: c.2581G>A (NM_032957.4); c.1840G>A, p.Ala614Thr (NM_001283010.1); c.2509G>A, p.Ala837Thr (NM_016434.4); c.2581G>A, p.Ala861Thr (NM_032957.5); short protein forms A614T, A837T, A861T.
Identifiers: ClinVar variation 1014229 (VCV001014229.9), dbSNP rs753435220, ClinGen allele CA9965380.
Genomic context (GRCh38, chr20:63,690,900, plus strand): 5'-TGTGTGGAGTATGAGCAGGAGCCAGTTCCTGCCCGGCAGAGGCCCAGGGGGCTGCTGGCC[G>A]CCCTGGAGCACAGCGAACAGCGGGCGGGGAGCCCTGGCGAGGAGCAGGTACAGTTCCAGG-3'
Protein context (NP_001269938.1, residues 827-847): ARQRPRGLLA[Ala837Thr]LEHSEQRAGS

ClinVar aggregate classification (germline): Uncertain significance. Review status: criteria provided, multiple submitters, no conflicts (2 of 4 stars). 4 submissions from 4 submitters: Uncertain significance (3). 1 of the submissions does not count toward it. Last evaluated 2025-09-10.

Conditions:
Dyskeratosis congenita. Identifiers: Orphanet 1775, MedGen C0265965, MONDO:0015780.
Inborn genetic diseases. Identifiers: MedGen C0950123, MeSH D030342.
Pulmonary fibrosis and/or bone marrow failure, Telomere-related, 3. Also called: PULMONARY FIBROSIS AND/OR BONE MARROW FAILURE SYNDROME, TELOMERE-RELATED, 3. Identifiers: Orphanet 2032, MedGen C4225346, MONDO:0014613, OMIM 616373.
Dyskeratosis congenita, autosomal recessive 5 (DKCB5). Identifiers: MedGen C3554656, MONDO:0014076, OMIM 615190.

Allele frequency attached by ClinVar (database versions not stated): gnomAD 0.00004; TOPMed 0.00004; ExAC 0.00005.
gnomAD v4.1: 17 of 1,581,082 alleles (0.0011%); highest among the groups gnomAD compares: African/African-American, 0.0094%; no homozygotes.

Submissions (4):

Labcorp Genetics (formerly Invitae), Labcorp
Classification: Uncertain significance for Dyskeratosis congenita, autosomal recessive 5; Pulmonary fibrosis and/or bone marrow failure, Telomere-related, 3. Last evaluated: 2025-09-10. Review status: criteria provided, single submitter. Criteria: Invitae Variant Classification Sherloc (09022015). Collection method: clinical testing. Allele origin: germline.
Comment: This sequence change replaces alanine, which is neutral and non-polar, with threonine, which is neutral and polar, at codon 837 of the RTEL1 protein (p.Ala837Thr). The frequency data for this variant in the population databases is considered unreliable, as metrics indicate poor data quality at this position in the gnomAD database. This variant has not been reported in the literature in individuals affected with RTEL1-related conditions. ClinVar contains an entry for this variant (Variation ID: 1014229). An algorithm developed to predict the effect of missense changes on protein structure and function (PolyPhen-2) suggests that this variant is likely to be disruptive. In summary, the available evidence is currently insufficient to determine the role of this variant in disease. Therefore, it has been classified as a Variant of Uncertain Significance.

Ambry Genetics
Classification: Uncertain significance for Inborn genetic diseases. Last evaluated: 2024-10-04. Review status: criteria provided, single submitter. Criteria: Ambry Variant Classification Scheme 2023. Collection method: clinical testing. Allele origin: germline.
Comment: The p.A861T variant (also known as c.2581G>A), located in coding exon 26 of the RTEL1 gene, results from a G to A substitution at nucleotide position 2581. The alanine at codon 861 is replaced by threonine, an amino acid with similar properties. This amino acid position is conserved. In addition, this alteration is predicted to be tolerated by in silico analysis. Based on the available evidence, the clinical significance of this variant remains unclear.

Blueprint Genetics
Classification: Uncertain significance. Last evaluated: 2024-06-15. Review status: criteria provided, single submitter. Criteria: ACMG Guidelines, 2015. Collection method: clinical testing. Allele origin: germline.

Natera, Inc.
Classification: Uncertain significance for Dyskeratosis congenita. Last evaluated: 2020-03-08. Review status: no assertion criteria provided. Collection method: clinical testing. Allele origin: germline. Not counted in ClinVar's aggregate classification.